The following is an entry in ClinVar:

NM_024753.5(TTC21B):c.3476C>T (p.Ala1159Val)

Gene: TTC21B (tetratricopeptide repeat domain 21B; minus strand). Cytogenetic location: 2q24.3.
Variant type: single nucleotide variant.
Coding change: c.3476C>T on transcript NM_024753.5 (MANE Select); coding-DNA position 3476, C replaced by T.
Protein change: p.Ala1159Val; replaces alanine 1159 with valine.
Molecular consequence: missense variant.
Genome position (GRCh38, 1-based): chr2:165,884,002, G>A on the plus strand (C>T on the coding strand, the complement: TTC21B is on the minus strand). VCF-style: chr2-165884002-G-A. GRCh37 (hg19) VCF-style: chr2-166740512-G-A.
Other names: c.3476C>T (NM_024753.3, NM_024753.4); short protein forms A1159V.
Identifiers: ClinVar variation 1440546 (VCV001440546.9), dbSNP rs367564721, ClinGen allele CA1941488.

ClinVar aggregate classification (germline): Uncertain significance. Review status: criteria provided, multiple submitters, no conflicts (2 of 4 stars). 5 submissions from 5 submitters: Uncertain significance (5). Last evaluated 2026-01-20.

Conditions:
TTC21B-related disorder. Also called: TTC21B-related disorders; TTC21B-related condition.
Nephronophthisis 12 (NPHP12). Identifiers: Orphanet 655, MedGen C3151186, MONDO:0013442, OMIM 613820.
Asphyxiating thoracic dystrophy 4 (SRTD4). Also called: SHORT-RIB THORACIC DYSPLASIA 4 WITH OR WITHOUT POLYDACTYLY; SHORT-RIB THORACIC DYSPLASIA 4. Identifiers: Orphanet 474, MedGen C3151185, MONDO:0013441, OMIM 613819.
Inborn genetic diseases. Identifiers: MedGen C0950123, MeSH D030342.
Nephronophthisis. Also called: Juvenile Nephronophthisis. Identifiers: Orphanet 655, MedGen C0687120, MONDO:0019005, HP:0000090.
Jeune thoracic dystrophy. Also called: Jeune syndrome; Infantile thoracic dystrophy; Thoracic pelvic phalangeal dystrophy; Jeune's syndrome; Chondroectodermal dysplasia-like syndrome; Short-rib thoracic dysplasia. Identifiers: Orphanet 474, MedGen C0265275, MONDO:0018770.

Allele frequency attached by ClinVar (database versions not stated): gnomAD 0.00002; TOPMed 0.00003; gnomAD exomes 0.00004; ExAC 0.00008; ESP Exome Variant Server 0.00008.
gnomAD v4.1: 72 of 1,613,792 alleles (0.0045%); highest among the groups gnomAD compares: Non-Finnish European, 0.0052%; no homozygotes.

Submissions (5):

PreventionGenetics, part of Exact Sciences
Classification: Uncertain significance for TTC21B-related condition. Last evaluated: 2026-01-20. Review status: criteria provided, single submitter. Criteria: ACMG Guidelines, 2015. Collection method: clinical testing. Allele origin: germline.
Comment: The TTC21B c.3476C>T variant is predicted to result in the amino acid substitution p.Ala1159Val. To our knowledge, this variant has not been reported in the literature. This variant is reported in 0.0071% of alleles in individuals of European (Non-Finnish) descent in gnomAD. At this time, the clinical significance of this variant is uncertain due to the absence of conclusive functional and genetic evidence.

Blueprint Genetics
Classification: Uncertain significance. Last evaluated: 2024-05-13. Review status: criteria provided, single submitter. Criteria: ACMG Guidelines, 2015. Collection method: clinical testing. Allele origin: germline.

Labcorp Genetics (formerly Invitae), Labcorp
Classification: Uncertain significance for Jeune thoracic dystrophy; Nephronophthisis. Last evaluated: 2022-08-23. Review status: criteria provided, single submitter. Criteria: Invitae Variant Classification Sherloc (09022015). Collection method: clinical testing. Allele origin: germline.
Comment: This sequence change replaces alanine, which is neutral and non-polar, with valine, which is neutral and non-polar, at codon 1159 of the TTC21B protein (p.Ala1159Val). This variant is present in population databases (rs367564721, gnomAD 0.009%). This variant has not been reported in the literature in individuals affected with TTC21B-related conditions. ClinVar contains an entry for this variant (Variation ID: 1440546). Algorithms developed to predict the effect of missense changes on protein structure and function are either unavailable or do not agree on the potential impact of this missense change (SIFT: "Deleterious"; PolyPhen-2: "Probably Damaging"; Align-GVGD: "Class C0"). In summary, the available evidence is currently insufficient to determine the role of this variant in disease. Therefore, it has been classified as a Variant of Uncertain Significance.

Fulgent Genetics
Classification: Uncertain significance for Asphyxiating thoracic dystrophy 4; Nephronophthisis 12. Last evaluated: 2022-05-06. Review status: criteria provided, single submitter. Criteria: ACMG Guidelines, 2015. Collection method: clinical testing. Allele origin: unknown.

Ambry Genetics
Classification: Uncertain significance for Inborn genetic diseases. Last evaluated: 2022-02-10. Review status: criteria provided, single submitter. Criteria: Ambry Variant Classification Scheme 2023. Collection method: clinical testing. Allele origin: germline.